The following is an entry in ClinVar:

NM_176787.5(PIGN):c.1733G>C (p.Trp578Ser)

Gene: PIGN (phosphatidylinositol glycan anchor biosynthesis class N; minus strand). Cytogenetic location: 18q21.33.
Variant type: single nucleotide variant.
Coding change: c.1733G>C on transcript NM_176787.5 (MANE Select); coding-DNA position 1733, G replaced by C.
Protein change: p.Trp578Ser; replaces tryptophan 578 with serine.
Molecular consequence: missense variant.
Genome position (GRCh38, 1-based): chr18:62,106,823, C>G on the plus strand (G>C on the coding strand, the complement: PIGN is on the minus strand). VCF-style: chr18-62106823-C-G. GRCh37 (hg19) VCF-style: chr18-59774056-C-G.
Other names: c.1733G>C, p.Trp578Ser (NM_012327.6); short protein forms W578S.
Identifiers: ClinVar variation 3888804 (VCV003888804.2).
Genomic context (GRCh38, chr18:62,106,823, plus strand): 5'-TCCTATGTCAAAATGAGTACTCATACCTTTGCTCGAGTCCACAGCCGAGTGAGAAATGGC[C>G]AAGCTGCAAAGGCAGTAAGTCCAGCGGTAAGCATATAGCGGTAGAAAAAACTGAGAACCT-3'
Protein context (NP_789744.1, residues 568-588): LTAGLTAFAA[Trp578Ser]PFLTRLWTRA

ClinVar aggregate classification (germline): Uncertain significance (1 of 4 stars; one submission).

Conditions:
Inborn genetic diseases. Identifiers: MedGen C0950123, MeSH D030342.

Submission:

Ambry Genetics
Classification: Uncertain significance for Inborn genetic diseases. Last evaluated: 2025-05-30. Review status: criteria provided, single submitter. Criteria: Ambry Variant Classification Scheme 2023. Collection method: clinical testing. Allele origin: germline.
Comment: The c.1733G>C (p.W578S) alteration is located in exon 19 (coding exon 16) of the PIGN gene. This alteration results from a G to C substitution at nucleotide position 1733, causing the tryptophan (W) at amino acid position 578 to be replaced by a serine (S). This variant was not reported in population-based cohorts in the Genome Aggregation Database (gnomAD). This amino acid position is highly conserved in available vertebrate species. This alteration is predicted to be deleterious by in silico analysis. Based on insufficient or conflicting evidence, the clinical significance of this alteration remains unclear.